The following is an entry in ClinVar:

ClinVar aggregate classification (germline): Uncertain significance. Review status: criteria provided, multiple submitters, no conflicts (2 of 4 stars). 6 submissions from 6 submitters: Uncertain significance (6). Last evaluated 2026-08-17.

Conditions:
Inborn genetic diseases. Identifiers: MedGen C0950123, MeSH D030342.
Joubert syndrome 3 (JBTS3). Also called: AHI1-related Ciliopathy. Identifiers: Orphanet 220493, MedGen C1837713, MONDO:0012078, OMIM 608629.
Joubert syndrome. Also called: Familial aplasia of the vermis; JOUBERT-BOLTSHAUSER SYNDROME. Identifiers: Orphanet 475, MedGen C5979921, MONDO:0018772.

Allele frequency attached by ClinVar (database versions not stated): gnomAD exomes 0.00002 and 0.00004; gnomAD 0.00015 and 0.00016; ExAC 0.00006; TOPMed 0.00018.
gnomAD v4.1: 60 of 1,613,750 alleles (0.0037%); highest among the groups gnomAD compares: African/African-American, 0.04%; no homozygotes.

Submissions (6):

Ambry Genetics
Classification: Uncertain significance for Inborn genetic diseases. Last evaluated: 2026-08-17. Review status: criteria provided, single submitter. Criteria: Ambry Variant Classification Scheme 2023. Collection method: clinical testing. Allele origin: germline.
Comment: The c.3223G>A (p.G1075R) alteration is located in exon 24 (coding exon 22) of the AHI1 gene. This alteration results from a G to A substitution at nucleotide position 3223, causing the glycine (G) at amino acid position 1075 to be replaced by an arginine (R). Based on data from gnomAD, the A allele has an overall frequency of 0.006% (18/280194) total alleles studied. The highest observed frequency was 0.054% (13/24172) of African alleles. Based on insufficient or conflicting evidence, the clinical significance of this alteration remains unclear.

GeneDx
Classification: Uncertain significance. Last evaluated: 2025-10-31. Review status: criteria provided, single submitter. Criteria: GeneDx Variant Classification Process June 2021. Collection method: clinical testing. Allele origin: germline. Affected: yes.
Comment: In silico analysis supports that this missense variant has a deleterious effect on protein structure/function; Has not been previously published as pathogenic or benign to our knowledge; This variant is associated with the following publications: (PMID: 15467982)

Fulgent Genetics
Classification: Uncertain significance for Joubert syndrome 3. Last evaluated: 2024-04-08. Review status: criteria provided, single submitter. Criteria: ACMG Guidelines, 2015. Collection method: clinical testing. Allele origin: germline.

Labcorp Genetics (formerly Invitae), Labcorp
Classification: Uncertain significance for Joubert syndrome. Last evaluated: 2024-01-19. Review status: criteria provided, single submitter. Criteria: Invitae Variant Classification Sherloc (09022015). Collection method: clinical testing. Allele origin: germline.
Comment: This sequence change replaces glycine, which is neutral and non-polar, with arginine, which is basic and polar, at codon 1075 of the AHI1 protein (p.Gly1075Arg). This variant is present in population databases (rs750115460, gnomAD 0.05%). This variant has not been reported in the literature in individuals affected with AHI1-related conditions. ClinVar contains an entry for this variant (Variation ID: 195832). Advanced modeling of protein sequence and biophysical properties (such as structural, functional, and spatial information, amino acid conservation, physicochemical variation, residue mobility, and thermodynamic stability) performed at Invitae indicates that this missense variant is expected to disrupt AHI1 protein function with a positive predictive value of 80%. In summary, the available evidence is currently insufficient to determine the role of this variant in disease. Therefore, it has been classified as a Variant of Uncertain Significance.

Blueprint Genetics
Classification: Uncertain significance. Last evaluated: 2022-09-07. Review status: criteria provided, single submitter. Criteria: ACMG Guidelines, 2015. Collection method: clinical testing. Allele origin: germline.

Eurofins Ntd Llc (ga)
Classification: Uncertain significance. Last evaluated: 2015-03-13. Review status: criteria provided, single submitter. Criteria: EGL Classification Definitions 2015. Collection method: clinical testing. Allele origin: germline. Observed: 1 variant allele, 1 heterozygote.

NM_001134831.2(AHI1):c.3223G>A (p.Gly1075Arg)

Gene: AHI1 (Abelson helper integration site 1; minus strand). Cytogenetic location: 6q23.3.
Variant type: single nucleotide variant.
Coding change: c.3223G>A on transcript NM_001134831.2 (MANE Select); coding-DNA position 3223, G replaced by A.
Protein change: p.Gly1075Arg; replaces glycine 1075 with arginine.
Molecular consequence: missense variant.
Genome position (GRCh38, 1-based): chr6:135,323,267, C>T on the plus strand (G>A on the coding strand, the complement: AHI1 is on the minus strand). VCF-style: chr6-135323267-C-T. GRCh37 (hg19) VCF-style: chr6-135644405-C-T.
Other names: c.3223G>A, p.Gly1075Arg (NM_001134830.2, NM_001350503.2, NM_001350504.2 and 1 more transcripts); short protein forms G1075R.
Identifiers: ClinVar variation 195832 (VCV000195832.19), dbSNP rs750115460, ClinGen allele CA242469.